The following is an entry in ClinVar:

ClinVar aggregate classification (germline): Uncertain significance (1 of 4 stars; one submission).

gnomAD v4.1: 12 of 1,612,424 alleles (0.00074%); highest among the groups gnomAD compares: South Asian, 0.0044%; no homozygotes.

Submission:

Labcorp Genetics (formerly Invitae), Labcorp
Classification: Uncertain significance. Last evaluated: 2024-12-24. Review status: criteria provided, single submitter. Criteria: Invitae Variant Classification Sherloc (09022015). Collection method: clinical testing. Allele origin: germline.
Comment: This sequence change creates a premature translational stop signal (p.Glu747*) in the ANKRD26 gene. It is expected to result in an absent or disrupted protein product. However, the current clinical and genetic evidence is not sufficient to establish whether loss-of-function variants in ANKRD26 cause disease. This variant is present in population databases (rs752657803, gnomAD 0.006%). This variant has not been reported in the literature in individuals affected with ANKRD26-related conditions. Algorithms developed to predict the effect of sequence changes on RNA splicing suggest that this variant may disrupt the consensus splice site. In summary, the available evidence is currently insufficient to determine the role of this variant in disease. Therefore, it has been classified as a Variant of Uncertain Significance.

NM_014915.3(ANKRD26):c.2239G>T (p.Glu747Ter)

Gene: ANKRD26 (ankyrin repeat domain 26; minus strand). Cytogenetic location: 10p12.1.
Variant type: single nucleotide variant.
Coding change: c.2239G>T on transcript NM_014915.3 (MANE Select); coding-DNA position 2239, G replaced by T.
Protein change: p.Glu747Ter; replaces glutamic acid 747 with a stop codon.
Molecular consequence: nonsense.
Genome position (GRCh38, 1-based): chr10:27,040,101, C>A on the plus strand (G>T on the coding strand, the complement: ANKRD26 is on the minus strand). VCF-style: chr10-27040101-C-A. GRCh37 (hg19) VCF-style: chr10-27329030-C-A.
Other names: c.2236G>T, p.Glu746Ter (NM_001256053.2); short protein forms E747*, E746*.
Identifiers: ClinVar variation 3669298 (VCV003669298.2).
Genomic context (GRCh38, chr10:27,040,101, plus strand): 5'-GCTCCCTTTGTAGTACATTAACCTTGTCTTCCATTTTTTTAATTTTTACTGTAAGTAGTT[C>A]ACAGTGATTTTTTTTAAGTTCTAATAATCTTTCACATGAAAGAGCTGCATCCTGGATTTT-3'